The following is an entry in ClinVar:

NM_181523.3(PIK3R1):c.328CAA[1] (p.Gln111del)

Gene: PIK3R1 (phosphoinositide-3-kinase regulatory subunit 1; plus strand). Cytogenetic location: 5q13.1.
Variant type: Microsatellite.
Coding change: c.328CAA[1] on transcript NM_181523.3 (MANE Select); one copy of the 3-base unit CAA starting at c.328; the reference has two copies in a row; one copy, 3 bases deleted.
Protein change: p.Gln111del; deletes glutamine 111.
Molecular consequence: inframe deletion.
Genome position (GRCh38, 1-based): chr5:68,227,006-68,227,008, CAA deleted; deleting any 3 consecutive bases within chr5:68,227,001-68,227,008 gives the same sequence; the position shown is the placement nearest the transcript's 3' end. VCF-style (leftmost placement, unchanged base first): chr5-68227000-GAAC-G. GRCh37 (hg19) VCF-style: chr5-67522828-GAAC-G.
Other names: short protein forms Q111del.
Identifiers: ClinVar variation 2172742 (VCV002172742.4), dbSNP rs2530797744, ClinGen allele CA2578363102.

ClinVar aggregate classification (germline): Uncertain significance (1 of 4 stars; one submission).

Conditions:
Agammaglobulinemia 7, autosomal recessive (AGM7). Also called: AGAMMAGLOBULINEMIA, AUTOSOMAL RECESSIVE, DUE TO PIK3R1 DEFECT. Identifiers: MedGen C3554689, MONDO:0014083, OMIM 615214.
SHORT syndrome. Also called: PIK3R1-Related SHORT Syndrome; LIPODYSTROPHY, PARTIAL, WITH RIEGER ANOMALY AND SHORT STATURE; SHORT STATURE, HYPEREXTENSIBILITY, HERNIA, OCULAR DEPRESSION, RIEGER ANOMALY, AND TEETHING DELAY. Identifiers: Orphanet 3163, MedGen C0878684, MONDO:0010026, OMIM 269880.
Immunodeficiency 36 with lymphoproliferation. Also called: Activated PI3K Delta Syndrome Type 2 (APDS2); Immunodeficiency 36; ACTIVATED PI3K-DELTA SYNDROME 2. Identifiers: Orphanet 397596, Orphanet 693681, MedGen C4014934, MONDO:0014453, OMIM 616005.

Submission:

Labcorp Genetics (formerly Invitae), Labcorp
Classification: Uncertain significance for SHORT syndrome; Immunodeficiency 36 with lymphoproliferation; Agammaglobulinemia 7, autosomal recessive. Last evaluated: 2022-02-18. Review status: criteria provided, single submitter. Criteria: Invitae Variant Classification Sherloc (09022015). Collection method: clinical testing. Allele origin: germline.
Comment: This variant is not present in population databases (gnomAD no frequency). This variant, c.331_333del, results in the deletion of 1 amino acid(s) of the PIK3R1 protein (p.Gln111del), but otherwise preserves the integrity of the reading frame. This variant has not been reported in the literature in individuals affected with PIK3R1-related conditions. In summary, the available evidence is currently insufficient to determine the role of this variant in disease. Therefore, it has been classified as a Variant of Uncertain Significance. Experimental studies and prediction algorithms are not available or were not evaluated, and the functional significance of this variant is currently unknown.